The following is an entry in ClinVar:

ClinVar aggregate classification (germline): Uncertain significance (1 of 4 stars; one submission).

gnomAD v4.1: 1 of 1,613,938 alleles (0.000062%); highest among the groups gnomAD compares: Non-Finnish European, 0.000085%; no homozygotes.

Submission:

Labcorp Genetics (formerly Invitae), Labcorp
Classification: Uncertain significance. Last evaluated: 2024-04-25. Review status: criteria provided, single submitter. Criteria: Invitae Variant Classification Sherloc (09022015). Collection method: clinical testing. Allele origin: germline.
Comment: This sequence change replaces proline, which is neutral and non-polar, with leucine, which is neutral and non-polar, at codon 418 of the POC5 protein (p.Pro418Leu). This variant is not present in population databases (gnomAD no frequency). This variant has not been reported in the literature in individuals affected with POC5-related conditions. An algorithm developed to predict the effect of missense changes on protein structure and function (PolyPhen-2) suggests that this variant is likely to be disruptive. In summary, the available evidence is currently insufficient to determine the role of this variant in disease. Therefore, it has been classified as a Variant of Uncertain Significance.

NM_001099271.2(POC5):c.1253C>T (p.Pro418Leu)

Gene: POC5 (POC5 centriolar protein; minus strand). Cytogenetic location: 5q13.3.
Variant type: single nucleotide variant.
Coding change: c.1253C>T on transcript NM_001099271.2 (MANE Select); coding-DNA position 1253, C replaced by T.
Protein change: p.Pro418Leu; replaces proline 418 with leucine.
Molecular consequence: missense variant.
Genome position (GRCh38, 1-based): chr5:75,685,361, G>A on the plus strand (C>T on the coding strand, the complement: POC5 is on the minus strand). VCF-style: chr5-75685361-G-A. GRCh37 (hg19) VCF-style: chr5-74981186-G-A.
Other names: c.1178C>T, p.Pro393Leu (NM_152408.3); short protein forms P418L, P393L.
Identifiers: ClinVar variation 3668548 (VCV003668548.2).
Genomic context (GRCh38, chr5:75,685,361, plus strand): 5'-ATCGAAGCAGCTGAGGGAACGGCAGTCGCGCTGGCTCCTCCGACGGCGGCTGGTGGGGAT[G>A]GCAGCAGTGGTGATGTAACTGGTAAGGGCATCGGAGGAGCTGAAGGATCCAAATGAGCAG-3'
Protein context (NP_001092741.1, residues 408-428): MPLPVTSPLL[Pro418Leu]SPPAAVGGAS